The following is an entry in ClinVar:

NM_014846.4(WASHC5):c.3122T>C (p.Ile1041Thr)

Gene: WASHC5 (WASH complex subunit 5; minus strand). Cytogenetic location: 8q24.13.
Variant type: single nucleotide variant.
Coding change: c.3122T>C on transcript NM_014846.4 (MANE Select); coding-DNA position 3122, T replaced by C.
Protein change: p.Ile1041Thr; replaces isoleucine 1041 with threonine.
Molecular consequence: missense variant.
Genome position (GRCh38, 1-based): chr8:125,037,296, A>G on the plus strand (T>C on the coding strand, the complement: WASHC5 is on the minus strand). VCF-style: chr8-125037296-A-G. GRCh37 (hg19) VCF-style: chr8-126049538-A-G.
Other names: c.2678T>C, p.Ile893Thr (NM_001330609.2); short protein forms I893T, I1041T.
Identifiers: ClinVar variation 930699 (VCV000930699.3), dbSNP rs1815741317, ClinGen allele CA372183511.

ClinVar aggregate classification (germline): Uncertain significance (1 of 4 stars; one submission).

Allele frequency attached by ClinVar (database versions not stated): gnomAD exomes below 0.00001.
gnomAD v4.1: 1 of 1,612,460 alleles (0.000062%); highest among the groups gnomAD compares: Non-Finnish European, 0.000085%; no homozygotes.

Submission:

Centre for Mendelian Genomics, University Medical Centre Ljubljana
Classification: Uncertain significance. Last evaluated: 2018-10-05. Review status: criteria provided, single submitter. Criteria: ACMG Guidelines, 2015. Collection method: clinical testing. Allele origin: unknown. Affected: yes.
Comment: This variant was classified as: Uncertain significance. The available evidence on this variant's pathogenicity is insufficient or conflicting. The following ACMG criteria were applied in classifying this variant: PM2.